The following is an entry in ClinVar:

NM_000264.5(PTCH1):c.1792A>G (p.Met598Val)

Genes: PTCH1 (patched 1; minus strand), LOC100507346 (uncharacterized LOC100507346; plus strand). Cytogenetic location: 9q22.32.
Variant type: single nucleotide variant.
Coding change: c.1792A>G on transcript NM_000264.5 (MANE Select); coding-DNA position 1792, A replaced by G.
Protein change: p.Met598Val; replaces methionine 598 with valine.
Molecular consequence: missense variant. On other transcripts: non-coding transcript variant (2).
Genome position (GRCh38, 1-based): chr9:95,469,868, T>C on the plus strand (A>G on the coding strand, the complement: PTCH1 is on the minus strand). VCF-style: chr9-95469868-T-C. GRCh37 (hg19) VCF-style: chr9-98232150-T-C.
Other names: c.1594A>G, p.Met532Val (NM_001083602.3); c.1789A>G, p.Met597Val (NM_001083603.3); c.1339A>G, p.Met447Val (NM_001083604.3, NM_001083605.3, NM_001083606.3 and 1 more transcripts); c.1636A>G, p.Met546Val (NM_001354918.2); short protein forms M532V, M546V, M447V, M597V, M598V.
Identifiers: ClinVar variation 3427237 (VCV003427237.1).

ClinVar aggregate classification (germline): Uncertain significance (1 of 4 stars; one submission).

Conditions:
Hereditary cancer-predisposing syndrome. Also called: Neoplastic Syndromes, Hereditary; Tumor predisposition; Hereditary Cancer Syndrome; Hereditary neoplastic syndrome. Identifiers: Orphanet 140162, MedGen C0027672, MeSH D009386, MONDO:0015356.

Submission:

Ambry Genetics
Classification: Uncertain significance for Hereditary cancer-predisposing syndrome. Last evaluated: 2024-07-03. Review status: criteria provided, single submitter. Criteria: Ambry Variant Classification Scheme 2023. Collection method: clinical testing. Allele origin: germline.
Comment: The p.M598V variant (also known as c.1792A>G), located in coding exon 13 of the PTCH1 gene, results from an A to G substitution at nucleotide position 1792. The methionine at codon 598 is replaced by valine, an amino acid with highly similar properties. This amino acid position is conserved. In addition, this alteration is predicted to be deleterious by in silico analysis. Based on the available evidence, the clinical significance of this variant remains unclear.